The following is an entry in ClinVar:

NM_000270.4(PNP):c.452A>G (p.Asn151Ser)

Gene: PNP (purine nucleoside phosphorylase; plus strand). Cytogenetic location: 14q11.2.
Variant type: single nucleotide variant.
Coding change: c.452A>G on transcript NM_000270.4 (MANE Select); coding-DNA position 452, A replaced by G.
Protein change: p.Asn151Ser; replaces asparagine 151 with serine.
Molecular consequence: missense variant.
Genome position (GRCh38, 1-based): chr14:20,474,939, A>G. VCF-style: chr14-20474939-A-G. GRCh37 (hg19) VCF-style: chr14-20943098-A-G.
Other names: short protein forms N151S.
Identifiers: ClinVar variation 1517887 (VCV001517887.4), dbSNP rs553936447, ClinGen allele CA7082121.
Genomic context (GRCh38, chr14:20,474,939, plus strand): 5'-TGATCCGTGACCATATCAACCTACCTGGTTTCAGTGGTCAGAACCCTCTCAGAGGGCCCA[A>G]TGATGAAAGGTATGTATGTTACTCCGTTTTTTTTAGGTGGGTAGGATTTAAAGACTTCTC-3'
Protein context (NP_000261.2, residues 141-161): FSGQNPLRGP[Asn151Ser]DERFGDRFPA

ClinVar aggregate classification (germline): Uncertain significance (1 of 4 stars; one submission).

Conditions:
Purine-nucleoside phosphorylase deficiency. Also called: NUCLEOSIDE PHOSPHORYLASE DEFICIENCY; Immunodeficiency due to purine nucleoside phosphorylase deficiency. Identifiers: Orphanet 760, MedGen C0268125, MONDO:0013171, OMIM 613179.

Allele frequency attached by ClinVar (database versions not stated): gnomAD exomes 0.00003 and 0.00004; ExAC 0.00005; gnomAD 0.00005 and 0.00007; 1000 Genomes Project 30x 0.00031; 1000 Genomes Project 0.00040.

Submission:

Labcorp Genetics (formerly Invitae), Labcorp
Classification: Uncertain significance for Purine-nucleoside phosphorylase deficiency. Last evaluated: 2024-02-05. Review status: criteria provided, single submitter. Criteria: Invitae Variant Classification Sherloc (09022015). Collection method: clinical testing. Allele origin: germline.
Comment: This sequence change replaces asparagine, which is neutral and polar, with serine, which is neutral and polar, at codon 151 of the PNP protein (p.Asn151Ser). This variant is present in population databases (rs553936447, gnomAD 0.03%). This variant has not been reported in the literature in individuals affected with PNP-related conditions. ClinVar contains an entry for this variant (Variation ID: 1517887). An algorithm developed to predict the effect of missense changes on protein structure and function (PolyPhen-2) suggests that this variant is likely to be disruptive. In summary, the available evidence is currently insufficient to determine the role of this variant in disease. Therefore, it has been classified as a Variant of Uncertain Significance.